The following is an entry in ClinVar:

ClinVar aggregate classification (germline): Uncertain significance. Review status: criteria provided, multiple submitters, no conflicts (2 of 4 stars). 2 submissions from 2 submitters: Uncertain significance (2). Last evaluated 2024-06-06.

Conditions:
Hereditary cancer-predisposing syndrome. Also called: Neoplastic Syndromes, Hereditary; Hereditary neoplastic syndrome; Hereditary Cancer Syndrome; Tumor predisposition. Identifiers: Orphanet 140162, MedGen C0027672, MeSH D009386, MONDO:0015356.
Haddad syndrome (OHD). Also called: Ondine-Hirschsprung disease. Identifiers: Orphanet 99803, MedGen C1859049, MONDO:0020493.

Submissions (2):

Ambry Genetics
Classification: Uncertain significance for Hereditary cancer-predisposing syndrome. Last evaluated: 2024-06-06. Review status: criteria provided, single submitter. Criteria: Ambry Variant Classification Scheme 2023. Collection method: clinical testing. Allele origin: germline.
Comment: The p.M313T variant (also known as c.938T>C), located in coding exon 3 of the PHOX2B gene, results from a T to C substitution at nucleotide position 938. The methionine at codon 313 is replaced by threonine, an amino acid with similar properties. This amino acid position is conserved. In addition, the in silico prediction for this alteration is inconclusive. Based on the available evidence, the clinical significance of this variant remains unclear.

Labcorp Genetics (formerly Invitae), Labcorp
Classification: Uncertain significance for Haddad syndrome. Last evaluated: 2023-06-30. Review status: criteria provided, single submitter. Criteria: Invitae Variant Classification Sherloc (09022015). Collection method: clinical testing. Allele origin: germline.
Comment: This sequence change replaces methionine, which is neutral and non-polar, with threonine, which is neutral and polar, at codon 313 of the PHOX2B protein (p.Met313Thr). This variant is not present in population databases (gnomAD no frequency). This variant has not been reported in the literature in individuals affected with PHOX2B-related conditions. Experimental studies and prediction algorithms are not available or were not evaluated, and the functional significance of this variant is currently unknown. In summary, the available evidence is currently insufficient to determine the role of this variant in disease. Therefore, it has been classified as a Variant of Uncertain Significance.

NM_003924.4(PHOX2B):c.938T>C (p.Met313Thr)

Gene: PHOX2B (paired like homeobox 2B; minus strand). Cytogenetic location: 4p13.
Variant type: single nucleotide variant.
Coding change: c.938T>C on transcript NM_003924.4 (MANE Select); coding-DNA position 938, T replaced by C.
Protein change: p.Met313Thr; replaces methionine 313 with threonine.
Molecular consequence: missense variant.
Genome position (GRCh38, 1-based): chr4:41,745,814, A>G on the plus strand (T>C on the coding strand, the complement: PHOX2B is on the minus strand). VCF-style: chr4-41745814-A-G. GRCh37 (hg19) VCF-style: chr4-41747831-A-G.
Other names: short protein forms M313T.
Identifiers: ClinVar variation 2971789 (VCV002971789.4), dbSNP rs2552096750, ClinGen allele CA356736629.
Genomic context (GRCh38, chr4:41,745,814, plus strand): 5'-GGGCCCTGGCTCGCCCGCTGTCGCCGCCGCCGCCGCCGCCGCAGGATTCCAGATCAGAAC[A>G]TACTGCTCTTCACTAAGGCGGCTTTGGCACCGTTGGGTCTTTGGAGCGAAGATAGGACGC-3'
Protein context (NP_003915.2, residues 303-314): GAKAALVKSS[Met313Thr]F